The following is an entry in ClinVar:

ClinVar aggregate classification (germline): Uncertain significance (1 of 4 stars; one submission).

Submission:

GeneDx
Classification: Uncertain significance. Last evaluated: 2026-03-10. Review status: criteria provided, single submitter. Criteria: GeneDx Variant Classification Process June 2021. Collection method: clinical testing. Allele origin: germline.
Comment: Not observed at significant frequency in large population cohorts (gnomAD); In silico analysis supports a deleterious effect on splicing; Has not been previously published as pathogenic or benign to our knowledge

NM_001009944.3(PKD1):c.9398-31_9398-12del

Gene: PKD1 (polycystin 1, transient receptor potential channel interacting; minus strand). Cytogenetic location: 16p13.3.
Variant type: Deletion.
Coding change: c.9398-31_9398-12del on transcript NM_001009944.3 (MANE Select); 31 bases into the intron before coding-DNA position 9398 through 12 bases into the intron before coding-DNA position 9398, 20 bases deleted (GAGCCTCCCACCCCTCCCTC).
Molecular consequence: intron variant.
Genome position (GRCh38, 1-based): chr16:2,100,578-2,100,597, GAGGGAGGGGTGGGAGGCTC deleted on the plus strand (GAGCCTCCCACCCCTCCCTC on the coding strand, the reverse complement: PKD1 is on the minus strand); deleting any 20 consecutive bases within chr16:2,100,578-2,100,598 gives the same sequence; the c. name uses the placement nearest the transcript's 3' end. VCF-style (leftmost placement, unchanged base first): chr16-2100577-AGAGGGAGGGGTGGGAGGCTC-A. GRCh37 (hg19) VCF-style: chr16-2150578-AGAGGGAGGGGTGGGAGGCTC-A.
Other names: c.9398-31_9398-12del (NM_000296.4).
Identifiers: ClinVar variation 5008295 (VCV005008295.1).